The following is an entry in ClinVar:

NM_001042492.3(NF1):c.1845+1del

Gene: NF1 (neurofibromin 1; plus strand). Cytogenetic location: 17q11.2.
Variant type: Deletion.
Coding change: c.1845+1del on transcript NM_001042492.3 (MANE Select); the canonical splice donor site of the intron after coding-DNA position 1845, one base deleted (G; older notation c.1845+1delG).
Molecular consequence: splice donor variant.
Genome position (GRCh38, 1-based): chr17:31,223,568, G deleted; the last of 2 consecutive G bases (chr17:31,223,567-31,223,568); deleting either gives the same sequence. VCF-style (leftmost placement, unchanged base first): chr17-31223566-AG-A. GRCh37 (hg19) VCF-style: chr17-29550584-AG-A.
Other names: c.1845+1del (NM_000267.4).
Identifiers: ClinVar variation 4860929 (VCV004860929.1).

ClinVar aggregate classification (germline): Pathogenic (1 of 4 stars; one submission).

Conditions:
Cardiovascular phenotype. Identifiers: MedGen CN230736.
Hereditary cancer-predisposing syndrome. Also called: Neoplastic Syndromes, Hereditary; Tumor predisposition; Hereditary Cancer Syndrome; Hereditary neoplastic syndrome. Identifiers: Orphanet 140162, MedGen C0027672, MeSH D009386, MONDO:0015356.

Submission:

Ambry Genetics
Classification: Pathogenic for Cardiovascular phenotype; Hereditary cancer-predisposing syndrome. Last evaluated: 2026-04-28. Review status: criteria provided, single submitter. Criteria: Ambry Variant Classification Scheme 2023. Collection method: clinical testing. Allele origin: germline.
Comment: The c.1845+1delG pathogenic mutation variant, located in intron 16 of the NF1 gene, results from a deletion of one nucleotide within intron 16 of the NF1 gene. In silico splice site analysis predicts that this alteration will weaken the native splice donor site. This variant was reported in individual(s) with features consistent with neurofibromin 1 (Ambry internal data). Other variant(s) impacting the same donor site (c.1845+1G>A, c.1845+1G>T) have been identified in individual(s) with features consistent with neurofibromin 1 (Abernathy CR et al. Hum Mutat, 1997;9:548-54; Fang LJ et al. J Mol Biol, 2001 Apr;307:1261-70; Chai P et al. BMC Med Genet, 2019 Sep;20:158). This nucleotide position is highly conserved in available vertebrate species. This variant is considered to be rare based on population cohorts in the Genome Aggregation Database (gnomAD). Based on the supporting evidence, this variant is interpreted as a disease-causing mutation.